The following is an entry in ClinVar:

ClinVar aggregate classification (germline): Pathogenic (1 of 4 stars; one submission).

Submission:

Labcorp Genetics (formerly Invitae), Labcorp
Classification: Pathogenic. Last evaluated: 2024-11-07. Review status: criteria provided, single submitter. Criteria: Invitae Variant Classification Sherloc (09022015). Collection method: clinical testing. Allele origin: germline.
Comment: This sequence change creates a premature translational stop signal (p.Met336Trpfs*56) in the EMC1 gene. It is expected to result in an absent or disrupted protein product. Loss-of-function variants in EMC1 are known to be pathogenic (PMID: 26572623, 26942288, 29271071). This variant is not present in population databases (gnomAD no frequency). This variant has not been reported in the literature in individuals affected with EMC1-related conditions. For these reasons, this variant has been classified as Pathogenic.

Literature cited by the submitters: PubMed 26572623; PubMed 26942288; PubMed 29271071.

NM_015047.3(EMC1):c.1005del (p.Met336fs)

Genes: EMC1 (ER membrane protein complex subunit 1; minus strand), EMC1-AS1 (EMC1 antisense RNA 1; plus strand). Cytogenetic location: 1p36.13.
Variant type: Deletion.
Coding change: c.1005del on transcript NM_015047.3 (MANE Select); coding-DNA position 1005, one base deleted (C; older notation c.1005delC).
Protein change: p.Met336fs; shifts the reading frame from methionine 336.
Molecular consequence: frameshift variant.
Genome position (GRCh38, 1-based): chr1:19,239,252, G deleted on the plus strand (C on the coding strand, the reverse complement: EMC1 is on the minus strand). VCF-style (leftmost placement, unchanged base first): chr1-19239251-TG-T. GRCh37 (hg19) VCF-style: chr1-19565745-TG-T.
Other names: c.1005del, p.Met336fs (NM_001271427.2, NM_001271428.2, NM_001375820.1 and 1 more transcripts); c.939del, p.Met314fs (NM_001271429.2); short protein forms M314fs, M336fs.
Identifiers: ClinVar variation 3724823 (VCV003724823.2).
Genomic context (GRCh38, chr1:19,239,251, plus strand): 5'-AGGAAAATCCCAAGTGCTGACTGTTGTTCTCAATACTCACCACTTCATTCCGACAGGCCA[TG>T]ACTGCAGCCACCGTCTTCTCCCCAGTGGTGGCAAAGCTCACTAGGGCAGTCTGGGGGAAA-3'